The following is an entry in ClinVar:

ClinVar aggregate classification (germline): Uncertain significance (1 of 4 stars; one submission).

Conditions:
Amyotrophic lateral sclerosis type 19. Identifiers: Orphanet 803, MedGen C3715155, MONDO:0014223, OMIM 615515.

Submission:

Laboratorio de Genetica e Diagnostico Molecular, Hospital Israelita Albert Einstein
Classification: Uncertain significance for Amyotrophic lateral sclerosis type 19. Last evaluated: 2021-08-31. Review status: criteria provided, single submitter. Criteria: ACMG Guidelines, 2015. Collection method: clinical testing. Allele origin: germline. Affected: yes.
Comment: ACMG classification criteria: PM2 moderate, BP4 supporting

NM_005235.3(ERBB4):c.3305T>C (p.Phe1102Ser)

Gene: ERBB4 (erb-b2 receptor tyrosine kinase 4; minus strand). Cytogenetic location: 2q34.
Variant type: single nucleotide variant.
Coding change: c.3305T>C on transcript NM_005235.3 (MANE Select); coding-DNA position 3305, T replaced by C.
Protein change: p.Phe1102Ser; replaces phenylalanine 1102 with serine.
Molecular consequence: missense variant.
Genome position (GRCh38, 1-based): chr2:211,387,029, A>G on the plus strand (T>C on the coding strand, the complement: ERBB4 is on the minus strand). VCF-style: chr2-211387029-A-G. GRCh37 (hg19) VCF-style: chr2-212251754-A-G.
Other names: c.3257T>C, p.Phe1086Ser (NM_001042599.2); short protein forms F1086S, F1102S.
Identifiers: ClinVar variation 1683524 (VCV001683524.2), dbSNP rs2125319546, ClinGen allele CA350780773.